The following is an entry in ClinVar:

ClinVar aggregate classification (germline): Uncertain significance (1 of 4 stars; one submission).

Conditions:
Hereditary cancer-predisposing syndrome. Also called: Neoplastic Syndromes, Hereditary; Hereditary Cancer Syndrome; Tumor predisposition; Hereditary neoplastic syndrome. Identifiers: Orphanet 140162, MedGen C0027672, MeSH D009386, MONDO:0015356.

Submission:

Ambry Genetics
Classification: Uncertain significance for Hereditary cancer-predisposing syndrome. Last evaluated: 2025-01-23. Review status: criteria provided, single submitter. Criteria: Ambry Variant Classification Scheme 2023. Collection method: clinical testing. Allele origin: germline.
Comment: The p.E330V variant (also known as c.989A>T), located in coding exon 8 of the SMARCB1 gene, results from an A to T substitution at nucleotide position 989. The glutamic acid at codon 330 is replaced by valine, an amino acid with dissimilar properties. This amino acid position is conserved. In addition, this alteration is predicted to be deleterious by in silico analysis. Based on the available evidence, the clinical significance of this variant remains unclear.

NM_003073.5(SMARCB1):c.989A>T (p.Glu330Val)

Gene: SMARCB1 (SWI/SNF related BAF chromatin remodeling complex subunit B1; plus strand). Cytogenetic location: 22q11.23.
Variant type: single nucleotide variant.
Coding change: c.989A>T on transcript NM_003073.5 (MANE Select); coding-DNA position 989, A replaced by T.
Protein change: p.Glu330Val; replaces glutamic acid 330 with valine.
Molecular consequence: missense variant.
Genome position (GRCh38, 1-based): chr22:23,833,574, A>T. VCF-style: chr22-23833574-A-T. GRCh37 (hg19) VCF-style: chr22-24175761-A-T.
Other names: c.962A>T, p.Glu321Val (NM_001007468.3); c.1016A>T, p.Glu339Val (NM_001317946.2); c.1043A>T, p.Glu348Val (NM_001362877.2); short protein forms E330V, E321V, E339V, E348V.
Identifiers: ClinVar variation 3798955 (VCV003798955.1).